The following is an entry in ClinVar:

ClinVar aggregate classification (germline): Uncertain significance (1 of 4 stars; one submission).

gnomAD v4.1: 16 of 1,612,568 alleles (0.00099%); highest among the groups gnomAD compares: East Asian, 0.0045%; no homozygotes.

Submission:

Labcorp Genetics (formerly Invitae), Labcorp
Classification: Uncertain significance. Last evaluated: 2024-10-23. Review status: criteria provided, single submitter. Criteria: Invitae Variant Classification Sherloc (09022015). Collection method: clinical testing. Allele origin: germline.
Comment: This sequence change replaces arginine, which is basic and polar, with histidine, which is basic and polar, at codon 660 of the AGAP1 protein (p.Arg660His). This variant is present in population databases (rs766895412, gnomAD 0.005%). This variant has not been reported in the literature in individuals affected with AGAP1-related conditions. An algorithm developed to predict the effect of missense changes on protein structure and function (PolyPhen-2) suggests that this variant is likely to be tolerated. In summary, the available evidence is currently insufficient to determine the role of this variant in disease. Therefore, it has been classified as a Variant of Uncertain Significance.

NM_001037131.3(AGAP1):c.2138G>A (p.Arg713His)

Gene: AGAP1 (ArfGAP with GTPase domain, ankyrin repeat and PH domain 1; plus strand). Cytogenetic location: 2q37.2.
Variant type: single nucleotide variant.
Coding change: c.2138G>A on transcript NM_001037131.3 (MANE Select); coding-DNA position 2138, G replaced by A.
Protein change: p.Arg713His; replaces arginine 713 with histidine.
Molecular consequence: missense variant.
Genome position (GRCh38, 1-based): chr2:236,120,215, G>A. VCF-style: chr2-236120215-G-A. GRCh37 (hg19) VCF-style: chr2-237028859-G-A.
Other names: c.1979G>A, p.Arg660His (NM_014914.5); short protein forms R713H, R660H.
Identifiers: ClinVar variation 3674693 (VCV003674693.2).